The following is an entry in ClinVar:

ClinVar aggregate classification (germline): Uncertain significance (1 of 4 stars; one submission).

Allele frequency attached by ClinVar (database versions not stated): ExAC 0.00001.

Submission:

Ambry Genetics
Classification: Uncertain significance. Last evaluated: 2023-04-08. Review status: criteria provided, single submitter. Criteria: Ambry Variant Classification Scheme 2023. Collection method: clinical testing. Allele origin: germline.
Comment: The p.C321S variant (also known as c.962G>C), located in coding exon 2 of the PALLD gene, results from a G to C substitution at nucleotide position 962. The cysteine at codon 321 is replaced by serine, an amino acid with dissimilar properties. This amino acid position is conserved. In addition, this alteration is predicted to be tolerated by in silico analysis. Since supporting evidence is limited at this time, the clinical significance of this alteration remains unclear.

NM_001166108.2(PALLD):c.962G>C (p.Cys321Ser)

Gene: PALLD (palladin, cytoskeletal associated protein; plus strand). Cytogenetic location: 4q32.3.
Variant type: single nucleotide variant.
Coding change: c.962G>C on transcript NM_001166108.2 (MANE Select); coding-DNA position 962, G replaced by C.
Protein change: p.Cys321Ser; replaces cysteine 321 with serine.
Molecular consequence: missense variant. On other transcripts: 5 prime UTR variant (1).
Genome position (GRCh38, 1-based): chr4:168,668,243, G>C. VCF-style: chr4-168668243-G-C. GRCh37 (hg19) VCF-style: chr4-169589394-G-C.
Other names: c.-185G>C (NM_001166109.2); c.962G>C, p.Cys321Ser (NM_016081.4); short protein forms C321S.
Identifiers: ClinVar variation 2563396 (VCV002563396.2), dbSNP rs755791932, ClinGen allele CA3135478.
Genomic context (GRCh38, chr4:168,668,243, plus strand): 5'-CCTGCAGATGGTTCTGTGAAGGGAAAGAACTGCACAACACTCCTGATATTCAAATCCACT[G>C]TGAGGGAGGGGACCTCCATACCCTGATCATAGCAGAGGCCTTTGAGGACGACACAGGTCG-3'
Protein context (NP_001159580.1, residues 311-331): LHNTPDIQIH[Cys321Ser]EGGDLHTLII